The following is an entry in ClinVar:

ClinVar aggregate classification (germline): Likely benign. Review status: criteria provided, multiple submitters, no conflicts (2 of 4 stars). 3 submissions from 3 submitters: Likely benign (3). Last evaluated 2026-07-01.

Conditions:
Adams-Oliver syndrome 5 (AOS5). Identifiers: Orphanet 974, MedGen C4014970, MONDO:0014459, OMIM 616028.
Familial thoracic aortic aneurysm and aortic dissection (TAAD). Also called: Thoracic aortic aneurysms and dissections. Identifiers: Orphanet 91387, MedGen C4707243, MONDO:0019625.

Allele frequency attached by ClinVar (database versions not stated): ExAC 0.00001; gnomAD 0.00001; gnomAD exomes 0.00001; TOPMed 0.00003.
gnomAD v4.1: 21 of 1,609,782 alleles (0.0013%); highest among the groups gnomAD compares: African/African-American, 0.0027%; no homozygotes.

Submissions (3):

CeGaT Center for Human Genetics Tuebingen
Classification: Likely benign. Last evaluated: 2026-07-01. Review status: criteria provided, single submitter. Criteria: CeGaT Center For Human Genetics Tuebingen Variant Classification Criteria Version 2. Collection method: clinical testing. Allele origin: germline. Affected: yes. Observed: 1 variant allele.
Comment: NOTCH1: BP4, BP7

Labcorp Genetics (formerly Invitae), Labcorp
Classification: Likely benign for Adams-Oliver syndrome 5. Last evaluated: 2024-12-02. Review status: criteria provided, single submitter. Criteria: Invitae Variant Classification Sherloc (09022015). Collection method: clinical testing. Allele origin: germline.

Ambry Genetics
Classification: Likely benign for Familial thoracic aortic aneurysm and aortic dissection. Last evaluated: 2023-02-17. Review status: criteria provided, single submitter. Criteria: Ambry Variant Classification Scheme 2023. Collection method: clinical testing. Allele origin: germline.

NM_017617.5(NOTCH1):c.3669C>T (p.Asp1223=)

Gene: NOTCH1 (notch receptor 1; minus strand). Cytogenetic location: 9q34.3.
Variant type: single nucleotide variant.
Coding change: c.3669C>T on transcript NM_017617.5 (MANE Select); coding-DNA position 3669, C replaced by T.
Protein change: p.Asp1223=; no amino-acid change (aspartic acid 1223 retained).
Molecular consequence: synonymous variant.
Genome position (GRCh38, 1-based): chr9:136,506,948, G>A on the plus strand (C>T on the coding strand, the complement: NOTCH1 is on the minus strand). VCF-style: chr9-136506948-G-A. GRCh37 (hg19) VCF-style: chr9-139401400-G-A.
Identifiers: ClinVar variation 788238 (VCV000788238.12), dbSNP rs781546439, ClinGen allele CA5340829.
Genomic context (GRCh38, chr9:136,506,948, plus strand): 5'-GGTGCCGTTGTTAAAGCACTTGGGGCTCCGGGACACGGGGTCAACGGGGGGATTGCAGTC[G>A]TCCACGTTGATCTCACAGTGCACACCTGCGGGGCCAGGTTTCGTCAGTGGCCCAAGCCCG-3'
Protein context (NP_060087.3, residues 1213-1233): TQGVHCEINV[Asp1223=]DCNPPVDPVS